The following is an entry in ClinVar:

NM_001009944.3(PKD1):c.6009C>T (p.Ala2003=)

Gene: PKD1 (polycystin 1, transient receptor potential channel interacting; minus strand). Cytogenetic location: 16p13.3.
Variant type: single nucleotide variant.
Coding change: c.6009C>T on transcript NM_001009944.3 (MANE Select); coding-DNA position 6009, C replaced by T.
Protein change: p.Ala2003=; no amino-acid change (alanine 2003 retained).
Molecular consequence: synonymous variant.
Genome position (GRCh38, 1-based): chr16:2,109,158, G>A on the plus strand (C>T on the coding strand, the complement: PKD1 is on the minus strand). VCF-style: chr16-2109158-G-A. GRCh37 (hg19) VCF-style: chr16-2159159-G-A.
Other names: c.6009C>T, p.Ala2003= (NM_000296.4).
Identifiers: ClinVar variation 4986209 (VCV004986209.1).

ClinVar aggregate classification (germline): Likely benign (1 of 4 stars; one submission).

Conditions:
PKD1-related disorder. Also called: PKD1-related condition.

gnomAD v4.1: 4 of 1,601,458 alleles (0.00025%); highest among the groups gnomAD compares: Admixed American, 0.0017%; no homozygotes.

Submission:

PreventionGenetics, part of Exact Sciences
Classification: Likely benign for PKD1-related condition. Last evaluated: 2026-06-12. Review status: criteria provided, single submitter. Criteria: ACMG Guidelines, 2015. Collection method: clinical testing. Allele origin: germline.
Comment: This variant is classified as likely benign based on ACMG/AMP sequence variant interpretation guidelines (Richards et al. 2015 PMID: 25741868, with internal and published modifications).